The following is an entry in ClinVar:

ClinVar aggregate classification (germline): Pathogenic/Likely pathogenic. Review status: criteria provided, multiple submitters, no conflicts (2 of 4 stars). 2 submissions from 2 submitters: Pathogenic (1); Likely pathogenic (1). Last evaluated 2025-05-02.

Conditions:
Melnick-Fraser syndrome (BOR). Also called: Branchiootorenal Syndrome (BORS); Branchiootorenal syndrome; Branchio-oto-renal syndrome. Identifiers: Orphanet 107, MedGen C0265234, MONDO:0007029.

Submissions (2):

GeneDx
Classification: Likely pathogenic. Last evaluated: 2025-05-02. Review status: criteria provided, single submitter. Criteria: GeneDx Variant Classification Process June 2021. Collection method: clinical testing. Allele origin: germline. Affected: yes.
Comment: Nonsense variant predicted to result in protein truncation or nonsense mediated decay in a gene for which loss of function is a known mechanism of disease; Not observed at significant frequency in large population cohorts (gnomAD); Has not been previously published as pathogenic or benign to our knowledge

Labcorp Genetics (formerly Invitae), Labcorp
Classification: Pathogenic for Melnick-Fraser syndrome. Last evaluated: 2024-02-24. Review status: criteria provided, single submitter. Criteria: Invitae Variant Classification Sherloc (09022015). Collection method: clinical testing. Allele origin: germline.
Comment: This sequence change creates a premature translational stop signal (p.Tyr448*) in the EYA1 gene. It is expected to result in an absent or disrupted protein product. Loss-of-function variants in EYA1 are known to be pathogenic (PMID: 10464653, 18220287). This variant is not present in population databases (gnomAD no frequency). This variant has not been reported in the literature in individuals affected with EYA1-related conditions. Algorithms developed to predict the effect of sequence changes on RNA splicing suggest that this variant may disrupt the consensus splice site. For these reasons, this variant has been classified as Pathogenic.

Literature cited by the submitters: PubMed 10464653 (cited by Labcorp Genetics (formerly Invitae), Labcorp); PubMed 18220287 (cited by Labcorp Genetics (formerly Invitae), Labcorp).

NM_000503.6(EYA1):c.1344C>A (p.Tyr448Ter)

Gene: EYA1 (EYA transcriptional coactivator and phosphatase 1; minus strand). Cytogenetic location: 8q13.3.
Variant type: single nucleotide variant.
Coding change: c.1344C>A on transcript NM_000503.6 (MANE Select); coding-DNA position 1344, C replaced by A.
Protein change: p.Tyr448Ter; replaces tyrosine 448 with a stop codon.
Molecular consequence: nonsense.
Genome position (GRCh38, 1-based): chr8:71,216,708, G>T on the plus strand (C>A on the coding strand, the complement: EYA1 is on the minus strand). VCF-style: chr8-71216708-G-T. GRCh37 (hg19) VCF-style: chr8-72128943-G-T.
Other names: c.1326C>A, p.Tyr442Ter (NM_001288574.2, NM_172059.5); c.978C>A, p.Tyr326Ter (NM_001288575.2); c.1431C>A, p.Tyr477Ter (NM_001370333.1); c.1344C>A, p.Tyr448Ter (NM_001370334.1, NM_001370335.1, NM_172058.4); c.1323C>A, p.Tyr441Ter (NM_001370336.1); c.1245C>A, p.Tyr415Ter (NM_001411797.1, NM_172060.4); c.1344C>A (NM_000503.4); short protein forms Y441*, Y442*, Y448*, Y326*, Y415*, Y477*.
Identifiers: ClinVar variation 3643117 (VCV003643117.3).